The following is an entry in ClinVar:

NM_007118.4(TRIO):c.4653C>G (p.Asp1551Glu)

Genes: TRIO (trio Rho guanine nucleotide exchange factor; plus strand), LOC126807321 (BRD4-independent group 4 enhancer GRCh37_chr5:14399912-14401111; plus strand). Cytogenetic location: 5p15.2.
Variant type: single nucleotide variant.
Coding change: c.4653C>G on transcript NM_007118.4 (MANE Select); coding-DNA position 4653, C replaced by G.
Protein change: p.Asp1551Glu; replaces aspartic acid 1551 with glutamic acid.
Molecular consequence: missense variant. On other transcripts: non-coding transcript variant (1).
Genome position (GRCh38, 1-based): chr5:14,401,001, C>G. VCF-style: chr5-14401001-C-G. GRCh37 (hg19) VCF-style: chr5-14401110-C-G.
Other names: c.4653C>G (NM_007118.2); short protein forms D1551E.
Identifiers: ClinVar variation 2113568 (VCV002113568.5), dbSNP rs2532980682, ClinGen allele CA359194454.

ClinVar aggregate classification (germline): Uncertain significance. Review status: criteria provided, multiple submitters, no conflicts (2 of 4 stars). 2 submissions from 2 submitters: Uncertain significance (2). Last evaluated 2024-01-03.

Conditions:
Inborn genetic diseases. Identifiers: MedGen C0950123, MeSH D030342.

Allele frequency attached by ClinVar (database versions not stated): gnomAD exomes below 0.00001.
gnomAD v4.1: 3 of 1,614,046 alleles (0.00019%); highest among the groups gnomAD compares: Non-Finnish European, 0.00025%; no homozygotes.

Submissions (2):

Ambry Genetics
Classification: Uncertain significance for Inborn genetic diseases. Last evaluated: 2024-01-03. Review status: criteria provided, single submitter. Criteria: Ambry Variant Classification Scheme 2023. Collection method: clinical testing. Allele origin: germline.

Labcorp Genetics (formerly Invitae), Labcorp
Classification: Uncertain significance. Last evaluated: 2022-03-18. Review status: criteria provided, single submitter. Criteria: Invitae Variant Classification Sherloc (09022015). Collection method: clinical testing. Allele origin: germline.
Comment: In summary, the available evidence is currently insufficient to determine the role of this variant in disease. Therefore, it has been classified as a Variant of Uncertain Significance. Advanced modeling of protein sequence and biophysical properties (such as structural, functional, and spatial information, amino acid conservation, physicochemical variation, residue mobility, and thermodynamic stability) performed at Invitae indicates that this missense variant is not expected to disrupt TRIO protein function. This missense change has been observed in individual(s) with clinical features of TRIO-related intellectual disability (Invitae). This variant is not present in population databases (gnomAD no frequency). This sequence change replaces aspartic acid, which is acidic and polar, with glutamic acid, which is acidic and polar, at codon 1551 of the TRIO protein (p.Asp1551Glu).